The following is an entry in ClinVar:

ClinVar aggregate classification (germline): Uncertain significance. Review status: criteria provided, multiple submitters, no conflicts (2 of 4 stars). 2 submissions from 2 submitters: Uncertain significance (2). Last evaluated 2026-06-22.

Conditions:
Hereditary cancer-predisposing syndrome. Also called: Hereditary Cancer Syndrome; Neoplastic Syndromes, Hereditary; Hereditary neoplastic syndrome; Tumor predisposition. Identifiers: Orphanet 140162, MedGen C0027672, MeSH D009386, MONDO:0015356.
Cardiovascular phenotype. Identifiers: MedGen CN230736.
Neurofibromatosis, type 1 (NF1). Also called: Peripheral type neurofibromatosis; VON RECKLINGHAUSEN DISEASE; NEUROFIBROMATOSIS, TYPE I, SOMATIC; Neurofibromatosis, type I. Identifiers: Orphanet 636, MedGen C0027831, MONDO:0018975, OMIM 162200. Disease mechanism: loss of function.

Submissions (2):

Ambry Genetics
Classification: Uncertain significance for Cardiovascular phenotype; Hereditary cancer-predisposing syndrome. Last evaluated: 2026-06-22. Review status: criteria provided, single submitter. Criteria: Ambry Variant Classification Scheme 2023. Collection method: clinical testing. Allele origin: germline.
Comment: The p.F343L variant (also known as c.1029C>A), located in coding exon 9 of the NF1 gene, results from a C to A substitution at nucleotide position 1029. The phenylalanine at codon 343 is replaced by leucine, an amino acid with highly similar properties. This amino acid position is highly conserved in available vertebrate species. In addition, the in silico prediction for this alteration is inconclusive. Based on the available evidence, the clinical significance of this variant remains unclear.

Labcorp Genetics (formerly Invitae), Labcorp
Classification: Uncertain significance for Neurofibromatosis, type 1. Last evaluated: 2024-02-01. Review status: criteria provided, single submitter. Criteria: Invitae Variant Classification Sherloc (09022015). Collection method: clinical testing. Allele origin: germline.
Comment: This sequence change replaces phenylalanine, which is neutral and non-polar, with leucine, which is neutral and non-polar, at codon 343 of the NF1 protein (p.Phe343Leu). This variant is not present in population databases (gnomAD no frequency). This variant has not been reported in the literature in individuals affected with NF1-related conditions. ClinVar contains an entry for this variant (Variation ID: 1413283). Advanced modeling of protein sequence and biophysical properties (such as structural, functional, and spatial information, amino acid conservation, physicochemical variation, residue mobility, and thermodynamic stability) performed at Invitae indicates that this missense variant is not expected to disrupt NF1 protein function with a negative predictive value of 95%. In summary, the available evidence is currently insufficient to determine the role of this variant in disease. Therefore, it has been classified as a Variant of Uncertain Significance.

NM_001042492.3(NF1):c.1029C>A (p.Phe343Leu)

Gene: NF1 (neurofibromin 1; plus strand). Cytogenetic location: 17q11.2.
Variant type: single nucleotide variant.
Coding change: c.1029C>A on transcript NM_001042492.3 (MANE Select); coding-DNA position 1029, C replaced by A.
Protein change: p.Phe343Leu; replaces phenylalanine 343 with leucine.
Molecular consequence: missense variant.
Genome position (GRCh38, 1-based): chr17:31,200,562, C>A. VCF-style: chr17-31200562-C-A. GRCh37 (hg19) VCF-style: chr17-29527580-C-A.
Other names: c.1029C>A, p.Phe343Leu (NM_000267.4, NM_001128147.3); short protein forms F343L.
Identifiers: ClinVar variation 1413283 (VCV001413283.9), dbSNP rs745914493, ClinGen allele CA398996381.